The following is an entry in ClinVar:

ClinVar aggregate classification (germline): Uncertain significance (1 of 4 stars; one submission).

Conditions:
Cardiovascular phenotype. Identifiers: MedGen CN230736.

Submission:

Ambry Genetics
Classification: Uncertain significance for Cardiovascular phenotype. Last evaluated: 2024-01-03. Review status: criteria provided, single submitter. Criteria: Ambry Variant Classification Scheme 2023. Collection method: clinical testing. Allele origin: germline.
Comment: The p.M131I variant (also known as c.393G>A), located in coding exon 3 of the DSP gene, results from a G to A substitution at nucleotide position 393. The methionine at codon 131 is replaced by isoleucine, an amino acid with highly similar properties. This amino acid position is conserved. In addition, the in silico prediction for this alteration is inconclusive. Since supporting evidence is limited at this time, the clinical significance of this alteration remains unclear.

NM_004415.4(DSP):c.393G>A (p.Met131Ile)

Gene: DSP (desmoplakin; plus strand). Cytogenetic location: 6p24.3.
Variant type: single nucleotide variant.
Coding change: c.393G>A on transcript NM_004415.4 (MANE Select); coding-DNA position 393, G replaced by A.
Protein change: p.Met131Ile; replaces methionine 131 with isoleucine.
Molecular consequence: missense variant.
Genome position (GRCh38, 1-based): chr6:7,558,235, G>A. VCF-style: chr6-7558235-G-A. GRCh37 (hg19) VCF-style: chr6-7558468-G-A.
Other names: c.393G>A, p.Met131Ile (NM_001008844.3, NM_001319034.2, NM_001406591.1); short protein forms M131I.
Identifiers: ClinVar variation 3224229 (VCV003224229.1), dbSNP rs1396824544, ClinGen allele CA362671366.
Genomic context (GRCh38, chr6:7,558,235, plus strand): 5'-TGCCCAGGCCAATGACCAAATGGAAATCCTCGACAGCTTGATCAGAGAGATGCGGCAGAT[G>A]GGCCAGCCCTGTGATGCTTACCAGAAAAGGTATTGTCCACAGAGCATGGATCGGGCAGTC-3'
Protein context (NP_004406.2, residues 121-141): LDSLIREMRQ[Met131Ile]GQPCDAYQKR